The following is an entry in ClinVar:

ClinVar aggregate classification (germline): Likely benign (1 of 4 stars; one submission).

Submission:

CeGaT Center for Human Genetics Tuebingen
Classification: Likely benign. Last evaluated: 2026-01-01. Review status: criteria provided, single submitter. Criteria: CeGaT Center For Human Genetics Tuebingen Variant Classification Criteria Version 2. Collection method: clinical testing. Allele origin: germline. Affected: yes. Observed: 1 variant allele.
Comment: RBM14: PM2:Supporting, BP4, BP7

NM_006328.4(RBM14):c.732A>C (p.Ser244=)

Genes: RBM14 (RNA binding motif protein 14; plus strand), RBM14-RBM4 (RBM14-RBM4 readthrough; plus strand). Cytogenetic location: 11q13.2.
Variant type: single nucleotide variant.
Coding change: c.732A>C on transcript NM_006328.4 (MANE Select); coding-DNA position 732, A replaced by C.
Protein change: p.Ser244=; no amino-acid change (serine 244 retained).
Molecular consequence: synonymous variant. On other transcripts: intron variant (4).
Genome position (GRCh38, 1-based): chr11:66,624,608, A>C. VCF-style: chr11-66624608-A-C. GRCh37 (hg19) VCF-style: chr11-66392079-A-C.
Other names: c.337+7551A>C (NM_001198845.2, NM_001198846.2); c.448+284A>C (NM_001198836.2); c.338-1853A>C (NM_001198837.2).
Identifiers: ClinVar variation 4822850 (VCV004822850.4).
Genomic context (GRCh38, chr11:66,624,608, plus strand): 5'-CTCTTATGTGGCTCCTCTGACGGCCCAGCCAGCTACCTACCGGGCCCAGCCGTCCGTGTC[A>C]CTGGGAGCTGCCTACAGGGCCCAGCCTTCTGCCTCTTTGGGTGTTGGCTATCGGACTCAG-3'
Protein context (NP_006319.1, residues 234-254): PATYRAQPSV[Ser244=]LGAAYRAQPS